The following is an entry in ClinVar:

NM_001164508.2(NEB):c.23242-3C>G

Genes: NEB (nebulin; minus strand), RIF1 (replication timing regulatory factor 1; plus strand). Cytogenetic location: 2q23.3.
Variant type: single nucleotide variant.
Coding change: c.23242-3C>G on transcript NM_001164508.2 (MANE Select); 3 bases into the intron before coding-DNA position 23242, C replaced by G.
Molecular consequence: intron variant.
Genome position (GRCh38, 1-based): chr2:151,512,840, G>C on the plus strand (C>G on the coding strand, the complement: NEB is on the minus strand). VCF-style: chr2-151512840-G-C. GRCh37 (hg19) VCF-style: chr2-152369354-G-C.
Other names: c.18139-3C>G (NM_004543.5); c.23242-3C>G (NM_001164507.2); c.23347-3C>G (NM_001271208.2).
Identifiers: ClinVar variation 1031197 (VCV001031197.1), dbSNP rs2075506324, ClinGen allele CA1298158861.

ClinVar aggregate classification (germline): Uncertain significance (1 of 4 stars; one submission).

Conditions:
Nemaline myopathy 2 (NEM2). Also called: Nemaline myopathy 2, autosomal recessive. Identifiers: MedGen C1850569, MONDO:0009725, OMIM 256030.

Submission:

Baylor Genetics
Classification: Uncertain significance for Nemaline myopathy 2. Last evaluated: 2020-10-28. Review status: criteria provided, single submitter. Criteria: ACMG Guidelines, 2015. Collection method: clinical testing. Allele origin: unknown. Affected: yes.
Comment: This variant was determined to be of uncertain significance according to ACMG Guidelines, 2015 [PMID:25741868].